The following is an entry in ClinVar:

NM_004985.5(KRAS):c.37G>C (p.Gly13Arg)

Gene: KRAS (KRAS proto-oncogene, GTPase; minus strand). Cytogenetic location: 12p12.1.
Variant type: single nucleotide variant.
Coding change: c.37G>C on transcript NM_004985.5 (MANE Select); coding-DNA position 37, G replaced by C.
Protein change: p.Gly13Arg; replaces glycine 13 with arginine.
Molecular consequence: missense variant.
Genome position (GRCh38, 1-based): chr12:25,245,348, C>G on the plus strand (G>C on the coding strand, the complement: KRAS is on the minus strand). VCF-style: chr12-25245348-C-G. GRCh37 (hg19) VCF-style: chr12-25398282-C-G.
Other names: c.37G>C, p.Gly13Arg (NM_001369786.1, NM_001369787.1, NM_033360.4); short protein forms G13R.
Identifiers: ClinVar variation 12593 (VCV000012593.7), dbSNP rs121913535, ClinGen allele CA122542.

ClinVar aggregate classification (germline): Pathogenic. Review status: criteria provided, single submitter (1 of 4 stars). 3 submissions from 3 submitters: Pathogenic (1). 2 of the submissions do not count toward it. Last evaluated 2011-04-15.
ClinVar aggregate classification (somatic clinical impact): Tier I - Strong (1 of 4 stars; one submission).

Conditions:
Non-small cell lung carcinoma (NSCLC). Also called: Non-small cell lung cancer. Identifiers: MedGen C0007131, MeSH D002289, MONDO:0005233, HP:0030358. Disease mechanism: Other.
Pilocytic astrocytoma. Also called: Pilocytic astrocytoma, somatic. Identifiers: Orphanet 251612, MedGen C0334583, MONDO:0016691, HP:0033680.

Submissions (4):

Institute for Genomic Medicine (IGM) Clinical Laboratory, Nationwide Children's Hospital
Classification: Tier I - Strong for Pilocytic astrocytoma. Assertion type: diagnostic. Clinical significance: supports diagnosis. Last evaluated: 2025-02-25. Review status: criteria provided, single submitter. Criteria: AMP/ASCO/CAP Guidelines, 2017. Collection method: clinical testing. Allele origin: somatic. Affected: yes.
Comment: Variant has Tier I (strong) clinical significance as a diagnostic inclusion criterion in pilocytic astrocytoma, based on the following evidence: 1) Documented in one or more cancer databases (e.g., St. Jude Pecan, COSMIC, CIViC, OncoKB). 2) Appears in one or more well-established professional guidelines (e.g., World Health Organization [WHO]; National Comprehensive Cancer Network [NCCN]) as providing diagnostic, prognostic, or therapeutic information. 3) Information in the literature supports potential biologic effect of variant (PMID: 34117033). 4) Diagnostic for a specific tumor type/classification based on well-powered studies with expert-level consensus (Evidence Level B; PMIDs: 23817572, 23583981, 16247081, 19373855, 21610151).

Laboratory for Molecular Medicine, Mass General Brigham Personalized Medicine
Classification: Pathogenic for Non-small cell lung carcinoma. Last evaluated: 2011-04-15. Review status: criteria provided, single submitter. Criteria: LMM Criteria. Collection method: clinical testing. Allele origin: somatic. Observed: 1 variant allele.

OMIM
Classification: Pathogenic for PILOCYTIC ASTROCYTOMA, SOMATIC. Last evaluated: 2005-10-25. Review status: no assertion criteria provided. Collection method: literature only. Allele origin: somatic. Not counted in ClinVar's aggregate classification.

Department of Pathology and Laboratory Medicine, Sinai Health System
Classification: Pathogenic. Review status: no assertion criteria provided. Collection method: clinical testing. Allele origin: unknown. Affected: yes. Observed: 1 variant allele. Study: The Canadian Open Genetics Repository (COGR). Not counted in ClinVar's aggregate classification.

Literature cited by the submitters: PubMed 34117033 (cited by Institute for Genomic Medicine (IGM) Clinical Laboratory, Nationwide Children's Hospital); PubMed 23817572 (cited by Institute for Genomic Medicine (IGM) Clinical Laboratory, Nationwide Children's Hospital); PubMed 23583981 (cited by Institute for Genomic Medicine (IGM) Clinical Laboratory, Nationwide Children's Hospital); PubMed 16247081 (cited by Institute for Genomic Medicine (IGM) Clinical Laboratory, Nationwide Children's Hospital and OMIM); PubMed 19373855 (cited by Institute for Genomic Medicine (IGM) Clinical Laboratory, Nationwide Children's Hospital); PubMed 21610151 (cited by Institute for Genomic Medicine (IGM) Clinical Laboratory, Nationwide Children's Hospital); PubMed 15696205 (cited by Laboratory for Molecular Medicine, Mass General Brigham Personalized Medicine).